The following is an entry in ClinVar:

NM_000228.3(LAMB3):c.1096C>T (p.Arg366Trp)

Gene: LAMB3 (laminin subunit beta 3; minus strand). Cytogenetic location: 1q32.2.
Variant type: single nucleotide variant.
Coding change: c.1096C>T on transcript NM_000228.3 (MANE Select); coding-DNA position 1096, C replaced by T.
Protein change: p.Arg366Trp; replaces arginine 366 with tryptophan.
Molecular consequence: missense variant.
Genome position (GRCh38, 1-based): chr1:209,629,773, G>A on the plus strand (C>T on the coding strand, the complement: LAMB3 is on the minus strand). VCF-style: chr1-209629773-G-A. GRCh37 (hg19) VCF-style: chr1-209803118-G-A.
Other names: c.1096C>T, p.Arg366Trp (NM_001017402.2, NM_001127641.1); short protein forms R366W.
Identifiers: ClinVar variation 2501055 (VCV002501055.3), dbSNP rs142542174, ClinGen allele CA1375702.
Genomic context (GRCh38, chr1:209,629,773, plus strand): 5'-TGGGACTCCGGAGCCTCTACTCACAGATGCAGGTCTCCTGAATGGAAGCTCCCGGGCGCC[G>A]GTTCCGGAAATAGTGCAGCTGACACCGCTCACAGTTCTTGCCTTCGGTGTGGTCCCGGCA-3'
Protein context (NP_000219.2, residues 356-376): ERCQLHYFRN[Arg366Trp]RPGASIQETC

ClinVar aggregate classification (germline): Uncertain significance. Review status: criteria provided, multiple submitters, no conflicts (2 of 4 stars). 2 submissions from 2 submitters: Uncertain significance (2). Last evaluated 2025-09-29.

Allele frequency attached by ClinVar (database versions not stated): ExAC 0.00010; TOPMed 0.00012; gnomAD 0.00013; gnomAD exomes 0.00016; ESP Exome Variant Server 0.00031.

Submissions (2):

Women's Health and Genetics/Laboratory Corporation of America, LabCorp
Classification: Uncertain significance. Last evaluated: 2025-09-29. Review status: criteria provided, single submitter. Criteria: LabCorp Variant Classification Summary - May 2015. Collection method: clinical testing. Allele origin: germline.
Comment: Variant summary: LAMB3 c.1096C>T (p.Arg366Trp) results in a non-conservative amino acid change located in the Laminin-type EGF domain (IPR002049) of the encoded protein sequence. Algorithms developed to predict the effect of missense changes on protein structure and function are either unavailable or do not agree on the potential impact of this missense change. The variant allele was found at a frequency of 8.7e-05 in 251468 control chromosomes. This frequency is not significantly higher than estimated for disease-causing variants in LAMB3, allowing no conclusion about variant significance. c.1096C>T has been reported in the literature in individuals affected with non-Herlitz Junctional Epidermolysis Bullosa in compound heterozygosity with another variant of uncertain significance (Varki_2006). The report does not provide unequivocal conclusions about association of the variant with Junctional Epidermolysis Bullosa. To our knowledge, no experimental evidence demonstrating an impact on protein function has been reported. The following publication have been ascertained in the context of this evaluation (PMID: 16473856). ClinVar contains an entry for this variant (Variation ID: 2501055). Based on the evidence outlined above, the variant was classified as uncertain significance.

Labcorp Genetics (formerly Invitae), Labcorp
Classification: Uncertain significance. Last evaluated: 2024-02-23. Review status: criteria provided, single submitter. Criteria: Invitae Variant Classification Sherloc (09022015). Collection method: clinical testing. Allele origin: germline.
Comment: This sequence change replaces arginine, which is basic and polar, with tryptophan, which is neutral and slightly polar, at codon 366 of the LAMB3 protein (p.Arg366Trp). This variant is present in population databases (rs142542174, gnomAD 0.02%). This missense change has been observed in individual(s) with junctional epidermolysis bullosa (PMID: 16473856). ClinVar contains an entry for this variant (Variation ID: 2501055). Advanced modeling of protein sequence and biophysical properties (such as structural, functional, and spatial information, amino acid conservation, physicochemical variation, residue mobility, and thermodynamic stability) performed at Invitae indicates that this missense variant is not expected to disrupt LAMB3 protein function with a negative predictive value of 80%. In summary, the available evidence is currently insufficient to determine the role of this variant in disease. Therefore, it has been classified as a Variant of Uncertain Significance.

Literature cited by the submitters: PubMed 16473856 (cited by Women's Health and Genetics/Laboratory Corporation of America, LabCorp and Labcorp Genetics (formerly Invitae), Labcorp).